The following is an entry in ClinVar:

NM_003240.5(LEFTY2):c.443A>G (p.Glu148Gly)

Gene: LEFTY2 (left-right determination factor 2; minus strand). Cytogenetic location: 1q42.12.
Variant type: single nucleotide variant.
Coding change: c.443A>G on transcript NM_003240.5 (MANE Select); coding-DNA position 443, A replaced by G.
Protein change: p.Glu148Gly; replaces glutamic acid 148 with glycine.
Molecular consequence: missense variant.
Genome position (GRCh38, 1-based): chr1:225,939,810, T>C on the plus strand (A>G on the coding strand, the complement: LEFTY2 is on the minus strand). VCF-style: chr1-225939810-T-C. GRCh37 (hg19) VCF-style: chr1-226127510-T-C.
Other names: c.341A>G, p.Glu114Gly (NM_001172425.3); short protein forms E114G, E148G.
Identifiers: ClinVar variation 2821881 (VCV002821881.3), dbSNP rs746398866, ClinGen allele CA1420594.

ClinVar aggregate classification (germline): Uncertain significance (1 of 4 stars; one submission).

Conditions:
Left-right axis malformations. Identifiers: MedGen C1866091.

Allele frequency attached by ClinVar (database versions not stated): gnomAD 0.00001; gnomAD exomes 0.00002; TOPMed 0.00003; ExAC 0.00004.

Submission:

Labcorp Genetics (formerly Invitae), Labcorp
Classification: Uncertain significance for Left-right axis malformations. Last evaluated: 2024-08-19. Review status: criteria provided, single submitter. Criteria: Invitae Variant Classification Sherloc (09022015). Collection method: clinical testing. Allele origin: germline.
Comment: This sequence change replaces glutamic acid, which is acidic and polar, with glycine, which is neutral and non-polar, at codon 148 of the LEFTY2 protein (p.Glu148Gly). This variant is present in population databases (rs746398866, gnomAD 0.03%). This variant has not been reported in the literature in individuals affected with LEFTY2-related conditions. Invitae Evidence Modeling of protein sequence and biophysical properties (such as structural, functional, and spatial information, amino acid conservation, physicochemical variation, residue mobility, and thermodynamic stability) has been performed for this missense variant. However, the output from this modeling did not meet the statistical confidence thresholds required to predict the impact of this variant on LEFTY2 protein function. In summary, the available evidence is currently insufficient to determine the role of this variant in disease. Therefore, it has been classified as a Variant of Uncertain Significance.